The following is an entry in ClinVar:

ClinVar aggregate classification (germline): Uncertain significance. Review status: criteria provided, multiple submitters, no conflicts (2 of 4 stars). 3 submissions from 3 submitters: Uncertain significance (3). Last evaluated 2026-08-06.

Conditions:
Hereditary cancer-predisposing syndrome. Also called: Hereditary Cancer Syndrome; Hereditary neoplastic syndrome; Neoplastic Syndromes, Hereditary; Tumor predisposition. Identifiers: Orphanet 140162, MedGen C0027672, MeSH D009386, MONDO:0015356.
Nonpapillary renal cell carcinoma. Identifiers: Orphanet 422526, MedGen CN074294, MONDO:0007763, OMIM 144700.
Colorectal cancer. Also called: Colorectal cancer, somatic; Malignant Colorectal Neoplasm. Identifiers: MedGen C0346629, MONDO:0005575, OMIM 114500.
Birt-Hogg-Dube syndrome 1 (BHD1). Also called: FIBROFOLLICULOMAS WITH TRICHODISCOMAS AND ACROCHORDONS. Identifiers: Orphanet 122, MedGen CN375946, MONDO:0800445, OMIM 135150.
Familial spontaneous pneumothorax (PSP). Identifiers: Orphanet 2903, MedGen C1868193, MONDO:0008259, OMIM 173600.
Birt-Hogg-Dube syndrome. Also called: Birt Hogg Dubé syndrome. Identifiers: Orphanet 122, MedGen C0346010, MONDO:0800444.

Allele frequency attached by ClinVar (database versions not stated): TOPMed below 0.00001; gnomAD exomes below 0.00001.
gnomAD v4.1: 1 of 1,613,922 alleles (0.000062%); highest among the groups gnomAD compares: Non-Finnish European, 0.000085%; no homozygotes.

Submissions (3):

Ambry Genetics
Classification: Uncertain significance for Hereditary cancer-predisposing syndrome. Last evaluated: 2026-08-06. Review status: criteria provided, single submitter. Criteria: Ambry Variant Classification Scheme 2023. Collection method: clinical testing. Allele origin: germline.

Labcorp Genetics (formerly Invitae), Labcorp
Classification: Uncertain significance for Birt-Hogg-Dube syndrome. Last evaluated: 2024-07-22. Review status: criteria provided, single submitter. Criteria: Invitae Variant Classification Sherloc (09022015). Collection method: clinical testing. Allele origin: germline.
Comment: This sequence change replaces glycine, which is neutral and non-polar, with glutamic acid, which is acidic and polar, at codon 34 of the FLCN protein (p.Gly34Glu). This variant is not present in population databases (gnomAD no frequency). This variant has not been reported in the literature in individuals affected with FLCN-related conditions. ClinVar contains an entry for this variant (Variation ID: 2566321). Advanced modeling of protein sequence and biophysical properties (such as structural, functional, and spatial information, amino acid conservation, physicochemical variation, residue mobility, and thermodynamic stability) performed at Invitae indicates that this missense variant is not expected to disrupt FLCN protein function with a negative predictive value of 80%. In summary, the available evidence is currently insufficient to determine the role of this variant in disease. Therefore, it has been classified as a Variant of Uncertain Significance.

Fulgent Genetics
Classification: Uncertain significance for Colorectal cancer; Birt-Hogg-Dube syndrome 1; Nonpapillary renal cell carcinoma; Familial spontaneous pneumothorax. Last evaluated: 2024-05-04. Review status: criteria provided, single submitter. Criteria: ACMG Guidelines, 2015. Collection method: clinical testing. Allele origin: germline.

NM_144997.7(FLCN):c.101G>A (p.Gly34Glu)

Gene: FLCN (folliculin; minus strand). Cytogenetic location: 17p11.2.
Variant type: single nucleotide variant.
Coding change: c.101G>A on transcript NM_144997.7 (MANE Select); coding-DNA position 101, G replaced by A.
Protein change: p.Gly34Glu; replaces glycine 34 with glutamic acid.
Molecular consequence: missense variant.
Genome position (GRCh38, 1-based): chr17:17,228,037, C>T on the plus strand (G>A on the coding strand, the complement: FLCN is on the minus strand). VCF-style: chr17-17228037-C-T. GRCh37 (hg19) VCF-style: chr17-17131351-C-T.
Other names: c.101G>A, p.Gly34Glu (NM_001353229.2, NM_001353230.2, NM_001353231.2 and 1 more transcripts); short protein forms G34E.
Identifiers: ClinVar variation 2566321 (VCV002566321.8), dbSNP rs2047310469, ClinGen allele CA398535333.